The following is an entry in ClinVar:

NM_004168.4(SDHA):c.776A>G (p.Tyr259Cys)

Gene: SDHA (succinate dehydrogenase complex flavoprotein subunit A; plus strand). Cytogenetic location: 5p15.33.
Variant type: single nucleotide variant.
Coding change: c.776A>G on transcript NM_004168.4 (MANE Select); coding-DNA position 776, A replaced by G.
Protein change: p.Tyr259Cys; replaces tyrosine 259 with cysteine.
Molecular consequence: missense variant.
Genome position (GRCh38, 1-based): chr5:230,881, A>G. VCF-style: chr5-230881-A-G. GRCh37 (hg19) VCF-style: chr5-230996-A-G.
Other names: c.632A>G, p.Tyr211Cys (NM_001294332.2); c.776A>G, p.Tyr259Cys (NM_001330758.2); short protein forms Y211C, Y259C.
Identifiers: ClinVar variation 653830 (VCV000653830.12), dbSNP rs1579397049, ClinGen allele CA359011524.

ClinVar aggregate classification (germline): Uncertain significance. Review status: criteria provided, multiple submitters, no conflicts (2 of 4 stars). 3 submissions from 3 submitters: Uncertain significance (3). Last evaluated 2026-06-11.

Conditions:
Pheochromocytoma/paraganglioma syndrome 5. Also called: Paragangliomas 5; SDHA-Related Hereditary Paraganglioma-Pheochromocytoma Syndrome. Identifiers: Orphanet 29072, MedGen C3279992, MONDO:0013602, OMIM 614165.
Mitochondrial complex II deficiency, nuclear type 1. Also called: SUCCINATE CoQ REDUCTASE DEFICIENCY. Identifiers: Orphanet 3208, MedGen C5700310, MONDO:0100294, OMIM 252011.
Hereditary cancer-predisposing syndrome. Also called: Tumor predisposition; Neoplastic Syndromes, Hereditary; Hereditary Cancer Syndrome; Hereditary neoplastic syndrome. Identifiers: Orphanet 140162, MedGen C0027672, MeSH D009386, MONDO:0015356.

Allele frequency attached by ClinVar (database versions not stated): TOPMed below 0.00001; gnomAD 0.00001.
gnomAD v4.1: 1 of 1,613,698 alleles (0.000062%); highest among the groups gnomAD compares: Admixed American, 0.0017%; no homozygotes.

Submissions (3):

Ambry Genetics
Classification: Uncertain significance for Hereditary cancer-predisposing syndrome. Last evaluated: 2026-06-11. Review status: criteria provided, single submitter. Criteria: Ambry Variant Classification Scheme 2023. Collection method: clinical testing. Allele origin: germline.
Comment: The p.Y259C variant (also known as c.776A>G), located in coding exon 7 of the SDHA gene, results from an A to G substitution at nucleotide position 776. The tyrosine at codon 259 is replaced by cysteine, an amino acid with highly dissimilar properties. This amino acid position is highly conserved in available vertebrate species. In addition, this alteration is predicted to be deleterious by in silico analysis. Based on the available evidence, the clinical significance of this variant remains unclear.

Labcorp Genetics (formerly Invitae), Labcorp
Classification: Uncertain significance for Pheochromocytoma/paraganglioma syndrome 5; Mitochondrial complex II deficiency, nuclear type 1. Last evaluated: 2026-01-15. Review status: criteria provided, single submitter. Criteria: Invitae Variant Classification Sherloc (09022015). Collection method: clinical testing. Allele origin: germline.
Comment: This sequence change replaces tyrosine, which is neutral and polar, with cysteine, which is neutral and slightly polar, at codon 259 of the SDHA protein (p.Tyr259Cys). This variant is not present in population databases (gnomAD no frequency). This variant has not been reported in the literature in individuals affected with SDHA-related conditions. ClinVar contains an entry for this variant (Variation ID: 653830). Invitae Evidence Modeling of protein sequence and biophysical properties (such as structural, functional, and spatial information, amino acid conservation, physicochemical variation, residue mobility, and thermodynamic stability) has been performed for this missense variant. However, the output from this modeling did not meet the statistical confidence thresholds required to predict the impact of this variant on SDHA protein function. In summary, the available evidence is currently insufficient to determine the role of this variant in disease. Therefore, it has been classified as a Variant of Uncertain Significance.

GeneDx
Classification: Uncertain significance. Last evaluated: 2023-02-07. Review status: criteria provided, single submitter. Criteria: GeneDx Variant Classification Process June 2021. Collection method: clinical testing. Allele origin: germline. Affected: yes.
Comment: Not observed at significant frequency in large population cohorts (gnomAD); In silico analysis supports that this missense variant has a deleterious effect on protein structure/function; Has not been previously published as pathogenic or benign to our knowledge